The following is an entry in ClinVar:

NM_015261.3(NCAPD3):c.3278_3281del (p.Lys1093fs)

Gene: NCAPD3 (non-SMC condensin II complex subunit D3; minus strand). Cytogenetic location: 11q25.
Variant type: Deletion.
Coding change: c.3278_3281del on transcript NM_015261.3 (MANE Select); coding-DNA positions 3278 to 3281, 4 bases deleted (AAGA; older notation c.3278_3281delAAGA).
Protein change: p.Lys1093fs; shifts the reading frame from lysine 1093.
Molecular consequence: frameshift variant.
Genome position (GRCh38, 1-based): chr11:134,168,561-134,168,564, TCTT deleted on the plus strand (AAGA on the coding strand, the reverse complement: NCAPD3 is on the minus strand); deleting any 4 consecutive bases within chr11:134,168,561-134,168,565 gives the same sequence; the c. name uses the placement nearest the transcript's 3' end. VCF-style (leftmost placement, unchanged base first): chr11-134168560-CTCTT-C. GRCh37 (hg19) VCF-style: chr11-134038455-CTCTT-C.
Other names: c.3278_3281del, p.Lys1093fs (NM_001372065.1, NM_001372068.1); c.2864_2867del, p.Lys955fs (NM_001372069.1, NM_001372070.1); short protein forms K1093fs, K955fs.
Identifiers: ClinVar variation 1032666 (VCV001032666.1), dbSNP rs773824610, ClinGen allele CA6370934.

ClinVar aggregate classification (germline): Pathogenic (1 of 4 stars; one submission).

Conditions:
Microcephaly 22, primary, autosomal recessive. Identifiers: MedGen C4693834, MONDO:0054805, OMIM 617984.

Submission:

Baylor Genetics
Classification: Pathogenic for Microcephaly 22, primary, autosomal recessive. Last evaluated: 2018-12-07. Review status: criteria provided, single submitter. Criteria: ACMG Guidelines, 2015. Collection method: clinical testing. Allele origin: unknown. Affected: yes.
Comment: This variant was determined to be pathogenic according to ACMG Guidelines, 2015 [PMID:25741868].